The following is an entry in ClinVar:

ClinVar aggregate classification (germline): Likely benign (1 of 4 stars; one submission).

gnomAD v4.1: 32 of 1,232,028 alleles (0.0026%); highest among the groups gnomAD compares: Non-Finnish European, 0.003%; no homozygotes.

Submission:

CeGaT Center for Human Genetics Tuebingen
Classification: Likely benign. Last evaluated: 2025-04-01. Review status: criteria provided, single submitter. Criteria: CeGaT Center For Human Genetics Tuebingen Variant Classification Criteria Version 2. Collection method: clinical testing. Allele origin: germline. Affected: yes. Observed: 1 variant allele.
Comment: REEP1: BP4, BP7

NM_001371279.1(REEP1):c.711C>T (p.Asp237=)

Gene: REEP1 (receptor accessory protein 1; minus strand). Cytogenetic location: 2p11.2.
Variant type: single nucleotide variant.
Coding change: c.711C>T on transcript NM_001371279.1 (MANE Select); coding-DNA position 711, C replaced by T.
Protein change: p.Asp237=; no amino-acid change (aspartic acid 237 retained).
Molecular consequence: synonymous variant. On other transcripts: intron variant (6).
Genome position (GRCh38, 1-based): chr2:86,220,042, G>A on the plus strand (C>T on the coding strand, the complement: REEP1 is on the minus strand). VCF-style: chr2-86220042-G-A. GRCh37 (hg19) VCF-style: chr2-86447165-G-A.
Other names: c.675C>T, p.Asp225= (NM_001410855.1); c.617-2932C>T (NM_001164730.2); c.515-2932C>T (NM_001164731.2); c.361-2932C>T (NM_001164732.2); c.418-2932C>T (NM_001371280.1); c.596-2932C>T (NM_022912.3); c.632-2932C>T (NM_001410856.1).
Identifiers: ClinVar variation 3898363 (VCV003898363.7).
Genomic context (GRCh38, chr2:86,220,042, plus strand): 5'-TTCCATCCTTCGAGGTGCTTTATACTTGTACATGAAATCCAGCAGGTCTTCCTCCTCGTC[G>A]TCAGAAAACGCCAATGGGTTTTGGACCTGGTGGGGCTCCCATGCCTTCATACCACCCTCA-3'
Protein context (NP_001358208.1, residues 227-247): HQVQNPLAFS[Asp237=]DEEEDLLDFM